The following is an entry in ClinVar:

NM_001267550.2(TTN):c.58456C>G (p.Pro19486Ala)

Genes: TTN (titin; minus strand), TTN-AS1 (TTN antisense RNA 1; plus strand). Cytogenetic location: 2q31.2.
Variant type: single nucleotide variant.
Coding change: c.58456C>G on transcript NM_001267550.2 (MANE Select); coding-DNA position 58456, C replaced by G.
Protein change: p.Pro19486Ala; replaces proline 19486 with alanine.
Molecular consequence: missense variant.
Genome position (GRCh38, 1-based): chr2:178,593,844, G>C on the plus strand (C>G on the coding strand, the complement: TTN is on the minus strand). VCF-style: chr2-178593844-G-C. GRCh37 (hg19) VCF-style: chr2-179458571-G-C.
Other names: c.53533C>G, p.Pro17845Ala (NM_001256850.1); c.31261C>G, p.Pro10421Ala (NM_003319.4); c.50752C>G, p.Pro16918Ala (NM_133378.4); c.31636C>G, p.Pro10546Ala (NM_133432.3); c.31837C>G, p.Pro10613Ala (NM_133437.4); short protein forms P10421A, P10546A, P16918A, P17845A, P10613A, P19486A.
Identifiers: ClinVar variation 1727893 (VCV001727893.2), dbSNP rs2469599977, ClinGen allele CA349506165.

ClinVar aggregate classification (germline): Uncertain significance (1 of 4 stars; one submission).

Conditions:
Cardiovascular phenotype. Identifiers: MedGen CN230736.

Submission:

Ambry Genetics
Classification: Uncertain significance for Cardiovascular phenotype. Last evaluated: 2019-09-12. Review status: criteria provided, single submitter. Criteria: Ambry Variant Classification Scheme 2023. Collection method: clinical testing. Allele origin: germline.
Comment: The p.P10421A variant (also known as c.31261C>G), located in coding exon 125 of the TTN gene, results from a C to G substitution at nucleotide position 31261. The proline at codon 10421 is replaced by alanine, an amino acid with highly similar properties. This amino acid position is highly conserved in available vertebrate species. In addition, this alteration is predicted to be tolerated by in silico analysis. Since supporting evidence is limited at this time, the clinical significance of this alteration remains unclear.